The following is an entry in ClinVar:

NM_003743.5(NCOA1):c.533-1G>A

Gene: NCOA1 (nuclear receptor coactivator 1; plus strand). Cytogenetic location: 2p23.3.
Variant type: single nucleotide variant.
Coding change: c.533-1G>A on transcript NM_003743.5 (MANE Select); the canonical splice acceptor site of the intron before coding-DNA position 533, G replaced by A.
Molecular consequence: splice acceptor variant.
Genome position (GRCh38, 1-based): chr2:24,691,480, G>A. VCF-style: chr2-24691480-G-A. GRCh37 (hg19) VCF-style: chr2-24914349-G-A.
Other names: c.533-1G>A (NM_001362950.1, NM_147223.3, NM_001362955.1 and 3 more transcripts).
Identifiers: ClinVar variation 4995437 (VCV004995437.1).

ClinVar aggregate classification (germline): Uncertain significance (1 of 4 stars; one submission).

Conditions:
NCOA1-related disorder. Also called: NCOA1-related condition.

Submission:

PreventionGenetics, part of Exact Sciences
Classification: Uncertain significance for NCOA1-related condition. Last evaluated: 2025-10-16. Review status: criteria provided, single submitter. Criteria: ACMG Guidelines, 2015. Collection method: clinical testing. Allele origin: germline.
Comment: The NCOA1 c.533-1G>A variant is predicted to disrupt the AG splice acceptor site and interfere with normal splicing. To our knowledge, this variant has not been reported in the literature or in a large population database (gnomAD), indicating this variant is rare. At this time, the clinical significance of this variant is uncertain due to the absence of conclusive functional and genetic evidence.